The following is an entry in ClinVar:

ClinVar aggregate classification (germline): Uncertain significance. Review status: criteria provided, multiple submitters, no conflicts (2 of 4 stars). 2 submissions from 2 submitters: Uncertain significance (2). Last evaluated 2024-05-24.

Conditions:
Hereditary cancer-predisposing syndrome. Also called: Hereditary neoplastic syndrome; Neoplastic Syndromes, Hereditary; Tumor predisposition; Hereditary Cancer Syndrome. Identifiers: Orphanet 140162, MedGen C0027672, MeSH D009386, MONDO:0015356.
Fanconi anemia complementation group J. Also called: BRIP1-Related Fanconi Anemia. Identifiers: Orphanet 84, MedGen C1836860, MONDO:0012187, OMIM 609054.
Familial cancer of breast. Also called: BREAST CANCER, FAMILIAL; Hereditary breast cancer; hereditary breast carcinoma. Identifiers: Orphanet 227535, MedGen C0346153, MONDO:0016419, OMIM 114480. Disease mechanism: loss of function.

Allele frequency attached by ClinVar (database versions not stated): gnomAD exomes below 0.00001.
gnomAD v4.1: 4 of 1,613,128 alleles (0.00025%); highest among the groups gnomAD compares: Non-Finnish European, 0.00034%; no homozygotes.

Submissions (2):

Ambry Genetics
Classification: Uncertain significance for Hereditary cancer-predisposing syndrome. Last evaluated: 2024-05-24. Review status: criteria provided, single submitter. Criteria: Ambry Variant Classification Scheme 2023. Collection method: clinical testing. Allele origin: germline.
Comment: The p.T523A variant (also known as c.1567A>G), located in coding exon 10 of the BRIP1 gene, results from an A to G substitution at nucleotide position 1567. The threonine at codon 523 is replaced by alanine, an amino acid with similar properties. This amino acid position is well conserved in available vertebrate species. In addition, this alteration is predicted to be tolerated by in silico analysis. Based on the available evidence, the clinical significance of this variant remains unclear.

Labcorp Genetics (formerly Invitae), Labcorp
Classification: Uncertain significance for Familial cancer of breast; Fanconi anemia complementation group J. Last evaluated: 2022-02-28. Review status: criteria provided, single submitter. Criteria: Invitae Variant Classification Sherloc (09022015). Collection method: clinical testing. Allele origin: germline.
Comment: This sequence change replaces threonine, which is neutral and polar, with alanine, which is neutral and non-polar, at codon 523 of the BRIP1 protein (p.Thr523Ala). This variant is not present in population databases (gnomAD no frequency). This variant has not been reported in the literature in individuals affected with BRIP1-related conditions. ClinVar contains an entry for this variant (Variation ID: 481648). Algorithms developed to predict the effect of missense changes on protein structure and function are either unavailable or do not agree on the potential impact of this missense change (SIFT: "Deleterious"; PolyPhen-2: "Benign"; Align-GVGD: "Class C0"). In summary, the available evidence is currently insufficient to determine the role of this variant in disease. Therefore, it has been classified as a Variant of Uncertain Significance.

NM_032043.3(BRIP1):c.1567A>G (p.Thr523Ala)

Gene: BRIP1 (BRCA1 interacting DNA helicase 1; minus strand). Cytogenetic location: 17q23.2.
Variant type: single nucleotide variant.
Coding change: c.1567A>G on transcript NM_032043.3 (MANE Select); coding-DNA position 1567, A replaced by G.
Protein change: p.Thr523Ala; replaces threonine 523 with alanine.
Molecular consequence: missense variant.
Genome position (GRCh38, 1-based): chr17:61,784,331, T>C on the plus strand (A>G on the coding strand, the complement: BRIP1 is on the minus strand). VCF-style: chr17-61784331-T-C. GRCh37 (hg19) VCF-style: chr17-59861692-T-C.
Other names: short protein forms T523A.
Identifiers: ClinVar variation 481648 (VCV000481648.17), dbSNP rs1555603510, ClinGen allele CA400481129.